The following is an entry in ClinVar:

ClinVar aggregate classification (germline): Uncertain significance (1 of 4 stars; one submission).

Allele frequency attached by ClinVar (database versions not stated): gnomAD 0.00001; TOPMed 0.00002; ExAC 0.00004; gnomAD exomes 0.00004 and 0.00005.
gnomAD v4.1: 68 of 1,613,886 alleles (0.0042%); highest among the groups gnomAD compares: Non-Finnish European, 0.0055%; no homozygotes.

Submission:

Labcorp Genetics (formerly Invitae), Labcorp
Classification: Uncertain significance. Last evaluated: 2022-09-07. Review status: criteria provided, single submitter. Criteria: Invitae Variant Classification Sherloc (09022015). Collection method: clinical testing. Allele origin: germline.
Comment: This sequence change replaces tyrosine, which is neutral and polar, with cysteine, which is neutral and slightly polar, at codon 333 of the FTO protein (p.Tyr333Cys). This variant is present in population databases (rs781481485, gnomAD 0.008%). This variant has not been reported in the literature in individuals affected with FTO-related conditions. ClinVar contains an entry for this variant (Variation ID: 1461666). Algorithms developed to predict the effect of missense changes on protein structure and function are either unavailable or do not agree on the potential impact of this missense change (SIFT: "Deleterious"; PolyPhen-2: "Probably Damaging"; Align-GVGD: "Class C0"). In summary, the available evidence is currently insufficient to determine the role of this variant in disease. Therefore, it has been classified as a Variant of Uncertain Significance.

NM_001080432.3(FTO):c.998A>G (p.Tyr333Cys)

Gene: FTO (FTO alpha-ketoglutarate dependent dioxygenase; plus strand). Cytogenetic location: 16q12.2.
Variant type: single nucleotide variant.
Coding change: c.998A>G on transcript NM_001080432.3 (MANE Select); coding-DNA position 998, A replaced by G.
Protein change: p.Tyr333Cys; replaces tyrosine 333 with cysteine.
Molecular consequence: missense variant. On other transcripts: intron variant (2).
Genome position (GRCh38, 1-based): chr16:53,879,866, A>G. VCF-style: chr16-53879866-A-G. GRCh37 (hg19) VCF-style: chr16-53913778-A-G.
Other names: c.1028A>G, p.Tyr343Cys (NM_001363891.2); c.998A>G, p.Tyr333Cys (NM_001363894.2, NM_001363896.2, NM_001363903.2 and 4 more transcripts); c.920A>G, p.Tyr307Cys (NM_001363897.2); c.884A>G, p.Tyr295Cys (NM_001363899.2); c.854A>G, p.Tyr285Cys (NM_001363901.2); c.485A>G, p.Tyr162Cys (NM_001363905.2); c.1005+6001A>G (NM_001363898.2); c.975+6001A>G (NM_001363900.2); short protein forms Y295C, Y333C, Y162C, Y285C, Y307C, Y343C.
Identifiers: ClinVar variation 1461666 (VCV001461666.3), dbSNP rs781481485, ClinGen allele CA8058501.